The following is an entry in ClinVar:

ClinVar aggregate classification (germline): Uncertain significance (1 of 4 stars; one submission).

Conditions:
Cardiovascular phenotype. Identifiers: MedGen CN230736.

Submission:

Ambry Genetics
Classification: Uncertain significance for Cardiovascular phenotype. Last evaluated: 2026-03-09. Review status: criteria provided, single submitter. Criteria: Ambry Variant Classification Scheme 2023. Collection method: clinical testing. Allele origin: germline.
Comment: The p.L2997I variant (also known as c.8989T>A), located in coding exon 36 of the AKAP9 gene, results from a T to A substitution at nucleotide position 8989. The leucine at codon 2997 is replaced by isoleucine, an amino acid with highly similar properties. This amino acid position is conserved. In addition, this alteration is predicted to be tolerated by in silico analysis. Based on the available evidence, the clinical significance of this variant remains unclear.

NM_005751.5(AKAP9):c.8989T>A (p.Leu2997Ile)

Gene: AKAP9 (A-kinase anchoring protein 9; plus strand). Cytogenetic location: 7q21.2.
Variant type: single nucleotide variant.
Coding change: c.8989T>A on transcript NM_005751.5 (MANE Select); coding-DNA position 8989, T replaced by A.
Protein change: p.Leu2997Ile; replaces leucine 2997 with isoleucine.
Molecular consequence: missense variant.
Genome position (GRCh38, 1-based): chr7:92,085,651, T>A. VCF-style: chr7-92085651-T-A. GRCh37 (hg19) VCF-style: chr7-91714965-T-A.
Other names: c.3634T>A, p.Leu1212Ile (NM_001379277.1); c.8965T>A, p.Leu2989Ile (NM_147185.3); short protein forms L1212I, L2989I, L2997I.
Identifiers: ClinVar variation 4826441 (VCV004826441.1).
Genomic context (GRCh38, chr7:92,085,651, plus strand): 5'-TCAGAACCTTGGCTAGAAGAGAGAAAAGCTTACATCAATACAATCTCATCTCTAAAGGAT[T>A]TAATTACAAAGATGCAACTGCAAAGAGAAGCCGAGGTAACCAAAGAATACTATGCATTTA-3'
Protein context (NP_005742.4, residues 2987-3007): YINTISSLKD[Leu2997Ile]ITKMQLQREA